The following is an entry in ClinVar:

NM_002878.4(RAD51D):c.536T>G (p.Leu179Arg)

Genes: RAD51L3-RFFL (RAD51L3-RFFL readthrough; minus strand), RAD51D (RAD51 paralog D; minus strand). Cytogenetic location: 17q12.
Variant type: single nucleotide variant.
Coding change: c.536T>G on transcript NM_002878.4 (MANE Select); coding-DNA position 536, T replaced by G.
Protein change: p.Leu179Arg; replaces leucine 179 with arginine.
Molecular consequence: missense variant. On other transcripts: non-coding transcript variant (3).
Genome position (GRCh38, 1-based): chr17:35,106,426, A>C on the plus strand (T>G on the coding strand, the complement: RAD51D is on the minus strand). VCF-style: chr17-35106426-A-C. GRCh37 (hg19) VCF-style: chr17-33433445-A-C.
Other names: c.596T>G, p.Leu199Arg (NM_001142571.2); c.200T>G, p.Leu67Arg (NM_133629.3); short protein forms L179R, L199R, L67R.
Identifiers: ClinVar variation 1007823 (VCV001007823.5), dbSNP rs777593941, ClinGen allele CA399088727.

ClinVar aggregate classification (germline): Uncertain significance (1 of 4 stars; one submission).

Conditions:
Breast-ovarian cancer, familial, susceptibility to, 4. Identifiers: Orphanet 145, MedGen C3280345, MONDO:0013669, OMIM 614291.

Submission:

Labcorp Genetics (formerly Invitae), Labcorp
Classification: Uncertain significance for Breast-ovarian cancer, familial, susceptibility to, 4. Last evaluated: 2024-03-07. Review status: criteria provided, single submitter. Criteria: Invitae Variant Classification Sherloc (09022015). Collection method: clinical testing. Allele origin: germline.
Comment: This sequence change replaces leucine, which is neutral and non-polar, with arginine, which is basic and polar, at codon 179 of the RAD51D protein (p.Leu179Arg). This variant is not present in population databases (gnomAD no frequency). This variant has not been reported in the literature in individuals affected with RAD51D-related conditions. ClinVar contains an entry for this variant (Variation ID: 1007823). Advanced modeling of protein sequence and biophysical properties (such as structural, functional, and spatial information, amino acid conservation, physicochemical variation, residue mobility, and thermodynamic stability) has been performed at Invitae for this missense variant, however the output from this modeling did not meet the statistical confidence thresholds required to predict the impact of this variant on RAD51D protein function. In summary, the available evidence is currently insufficient to determine the role of this variant in disease. Therefore, it has been classified as a Variant of Uncertain Significance.